The following is an entry in ClinVar:

NM_000179.3(MSH6):c.2992T>G (p.Ser998Ala)

Gene: MSH6 (mutS homolog 6; plus strand). Cytogenetic location: 2p16.3.
Variant type: single nucleotide variant.
Coding change: c.2992T>G on transcript NM_000179.3 (MANE Select); coding-DNA position 2992, T replaced by G.
Protein change: p.Ser998Ala; replaces serine 998 with alanine.
Molecular consequence: missense variant. On other transcripts: non-coding transcript variant (5), intron variant (2).
Genome position (GRCh38, 1-based): chr2:47,800,975, T>G. VCF-style: chr2-47800975-T-G. GRCh37 (hg19) VCF-style: chr2-48028114-T-G.
Other names: c.3088T>G, p.Ser1030Ala (NM_001406802.1, NM_001406795.1); c.2914T>G, p.Ser972Ala (NM_001406804.1); c.2695T>G, p.Ser899Ala (NM_001406805.1, NM_001406818.1, NM_001406819.1 and 10 more transcripts); c.2467T>G, p.Ser823Ala (NM_001406806.1, NM_001406807.1, NM_001406799.1); c.2992T>G, p.Ser998Ala (NM_001406808.1, NM_001406809.1, NM_001406796.1 and 2 more transcripts); c.2086T>G, p.Ser696Ala (NM_001406811.1, NM_001406812.1, NM_001406814.1 and 6 more transcripts); c.2998T>G, p.Ser1000Ala (NM_001406813.1); c.2824T>G, p.Ser942Ala (NM_001406826.1); and 4 more; short protein forms S1000A, S696A, S899A, S998A, S868A, S1030A, S942A, S972A.
Identifiers: ClinVar variation 5024901 (VCV005024901.1).

ClinVar aggregate classification (germline): Uncertain significance (1 of 4 stars; one submission).

Conditions:
Hereditary cancer-predisposing syndrome. Also called: Neoplastic Syndromes, Hereditary; Tumor predisposition; Hereditary neoplastic syndrome; Hereditary Cancer Syndrome. Identifiers: Orphanet 140162, MedGen C0027672, MeSH D009386, MONDO:0015356.

Submission:

Ambry Genetics
Classification: Uncertain significance for Hereditary cancer-predisposing syndrome. Last evaluated: 2026-07-06. Review status: criteria provided, single submitter. Criteria: Ambry Variant Classification Scheme 2023. Collection method: clinical testing. Allele origin: germline.
Comment: The p.S998A variant (also known as c.2992T>G), located in coding exon 4 of the MSH6 gene, results from a T to G substitution at nucleotide position 2992. The serine at codon 998 is replaced by alanine, an amino acid with similar properties. This amino acid position is conserved. In addition, this alteration is predicted to be deleterious by in silico analysis. Based on the available evidence, the clinical significance of this variant remains unclear.